The following is an entry in ClinVar:

ClinVar aggregate classification (germline): Uncertain significance (1 of 4 stars; one submission).

Conditions:
TRPC5-related disorder. Also called: TRPC5-related condition.

Submission:

PreventionGenetics, part of Exact Sciences
Classification: Uncertain significance for TRPC5-related condition. Last evaluated: 2025-08-19. Review status: criteria provided, single submitter. Criteria: ACMG Guidelines, 2015. Collection method: clinical testing. Allele origin: germline.
Comment: The TRPC5 c.2056G>A variant is predicted to result in the amino acid substitution p.Asp686Asn. To our knowledge, this variant has not been reported in the literature or in a large population database (gnomAD), indicating this variant is rare. At this time, the clinical significance of this variant is uncertain due to the absence of conclusive functional and genetic evidence.

NM_012471.3(TRPC5):c.2056G>A (p.Asp686Asn)

Gene: TRPC5 (transient receptor potential cation channel subfamily C member 5; minus strand). Cytogenetic location: Xq23.
Variant type: single nucleotide variant.
Coding change: c.2056G>A on transcript NM_012471.3 (MANE Select); coding-DNA position 2056, G replaced by A.
Protein change: p.Asp686Asn; replaces aspartic acid 686 with asparagine.
Molecular consequence: missense variant.
Genome position (GRCh38, 1-based): chrX:111,781,979, C>T on the plus strand (G>A on the coding strand, the complement: TRPC5 is on the minus strand). VCF-style: chrX-111781979-C-T. GRCh37 (hg19) VCF-style: chrX-111025207-C-T.
Other names: short protein forms D686N.
Identifiers: ClinVar variation 4993714 (VCV004993714.1).